The following is an entry in ClinVar:

ClinVar aggregate classification (germline): Pathogenic/Likely pathogenic. Review status: criteria provided, multiple submitters, no conflicts (2 of 4 stars). 8 submissions from 8 submitters: Pathogenic (5); Likely pathogenic (1). 2 of the submissions do not count toward it. Last evaluated 2025-05-21.
ClinVar aggregate classification (oncogenicity): Uncertain significance (1 of 4 stars; one submission).

Conditions:
Cardio-facio-cutaneous syndrome. Also called: Cardiofaciocutaneous syndrome; CFC syndrome. Identifiers: Orphanet 1340, MedGen C1275081, MONDO:0015280. Disease mechanism: gain of function.
Noonan syndrome (NS). Also called: Noonan's syndrome. Identifiers: Orphanet 648, MedGen C0028326, MeSH D009634, MONDO:0018997. Disease mechanism: gain of function.
RASopathy. Also called: Noonan spectrum disorder; rasopathies. Identifiers: Orphanet 536391, MedGen C5555857, MONDO:0021060.
Cardiofaciocutaneous syndrome 1 (CFC1). Also called: BRAF-Related Cardiofaciocutaneous Syndrome. Identifiers: Orphanet 1340, MedGen CN029449, MONDO:0007265, OMIM 115150. Disease mechanism: gain of function.
Cardiovascular phenotype. Identifiers: MedGen CN230736.
Neoplasm. Also called: Neoplasms; Neoplasm (disease); tumor. Identifiers: MedGen C0027651, MeSH D009369, MONDO:0005070, HP:0002664.

Submissions (9):

Center for Genomic Medicine, Rigshospitalet, Copenhagen University Hospital
Classification: Uncertain significance for Neoplasm. Last evaluated: 2026-10-16. Review status: criteria provided, single submitter. Criteria: ClinGen/CGC/VICC Guidelines for Oncogenicity, 2022. Collection method: clinical testing. Allele origin: somatic. Affected: yes.

3billion
Classification: Pathogenic for Cardiofaciocutaneous syndrome 1. Last evaluated: 2025-05-21. Review status: criteria provided, single submitter. Criteria: ACMG Guidelines, 2015. Collection method: clinical testing. Allele origin: germline. Affected: yes.
Comment: The variant is not observed in the gnomAD v4.1.0 dataset. Predicted Consequence/Location: Missense variant. Missense changes are a common disease-causing mechanism. In silico tool predictions suggest damaging effect of the variant on gene or gene product [REVEL: 0.97 (>=0.6, sensitivity 0.68 and specificity 0.92); 3Cnet: 0.99 (> 0.75, sensitivity 0.96 and precision 0.92)]. The same nucleotide change resulting in the same amino acid change has been previously reported as pathogenic/likely pathogenic with strong evidence (ClinVar ID: VCV000013977 /PMID: 16474404 /3billion dataset). Different missense changes at the same codon (p.Glu501Ala, p.Glu501Gln, p.Glu501Gly, p.Glu501Val) have been reported as pathogenic/likely pathogenic with strong evidence (ClinVar ID: VCV000013978, VCV000040373, VCV000040374, VCV000044807 /PMID: 16474404, 17704260, 25463315 /3billion dataset). Therefore, this variant is classified as Pathogenic according to the recommendation of ACMG/AMP guideline.

Labcorp Genetics (formerly Invitae), Labcorp
Classification: Pathogenic for RASopathy. Last evaluated: 2025-01-29. Review status: criteria provided, single submitter. Criteria: Invitae Variant Classification Sherloc (09022015). Collection method: clinical testing. Allele origin: germline.
Comment: This sequence change replaces glutamic acid, which is acidic and polar, with lysine, which is basic and polar, at codon 501 of the BRAF protein (p.Glu501Lys). This variant is not present in population databases (gnomAD no frequency). This missense change has been observed in individual(s) with cardio-facio-cutaneous syndrome (PMID: 19206169). In at least one individual the variant was observed to be de novo. ClinVar contains an entry for this variant (Variation ID: 13977). Invitae Evidence Modeling incorporating data from in vitro experimental studies (internal data) indicates that this missense variant is not expected to disrupt BRAF function with a negative predictive value of 95%. This variant disrupts the p.501 amino acid residue in BRAF. Other variant(s) that disrupt this residue have been observed in individuals with BRAF-related conditions (PMID: 16474404, 20186801, 25463315), which suggests that this may be a clinically significant amino acid residue. For these reasons, this variant has been classified as Pathogenic.

Victorian Clinical Genetics Services, Murdoch Childrens Research Institute
Classification: Pathogenic for Cardiofaciocutaneous syndrome 1. Last evaluated: 2022-09-02. Review status: criteria provided, single submitter. Criteria: ACMG Guidelines, 2015. Collection method: clinical testing. Allele origin: germline. Inheritance: Autosomal dominant inheritance. Affected: yes.
Comment: Based on the classification scheme VCGS_Germline_v1.3.4, this variant is classified as Pathogenic. Following criteria are met: 0101 - Gain of function is a known mechanism of disease in this gene and is associated with LEOPARD syndrome 3 (MIM#613707), cardiofaciocutaneous syndrome, (MIM#115150) and Noonan syndrome 7 (MIM#613706). Missense variants have shown both enhanced and impaired BRAF kinase activity resulting in increased RAS-RAF-MEK-ERK signaling (PMID: 28783719, 29540830). (I) 0107 - This gene is associated with autosomal dominant disease. (I) 0200 - Variant is predicted to result in a missense amino acid change from glutamic acid to lysine. (I) 0251 - This variant is heterozygous. (I) 0301 - Variant is absent from gnomAD (both v2 and v3). (SP) 0501 - Missense variant consistently predicted to be damaging by multiple in silico tools or highly conserved with a major amino acid change. (SP) 0600 - Variant is located in the annotated protein tyrosine and serine/threonine kinase domain (DECIPHER). (I) 0701 - Other missense variants comparable to the one identified in this case have very strong previous evidence for pathogenicity. Four alternative changes at this residue have been classified as pathogenic or likely pathogenic by clinical laboratories in ClinVar. (SP) 0801 - This variant has strong previous evidence of pathogenicity in unrelated individuals. This variant has been classified as pathogenic and likely pathogenic by multiple clinical laboratories in ClinVar, and has been observed in at least four individuals with cardiofaciocutaneous syndrome (PMIDs: 16474404, 25337068, 20859831, 21784453). (SP) 1208 - Inheritance information for this variant is not currently available in this individual. (I) Legend: (SP) - Supporting pathogenic, (I) - Information, (SB) - Supporting benign

Ambry Genetics
Classification: Pathogenic for Cardiovascular phenotype. Last evaluated: 2022-03-21. Review status: criteria provided, single submitter. Criteria: Ambry Variant Classification Scheme 2023. Collection method: clinical testing. Allele origin: germline.
Comment: The c.1501G>A (p.E501K) alteration is located in exon 12 (coding exon 12) of the BRAF gene. This alteration results from a G to A substitution at nucleotide position 1501, causing the glutamic acid (E) at amino acid position 501 to be replaced by a lysine (K). This variant was not reported in population-based cohorts in the Genome Aggregation Database (gnomAD). This alteration has been reported in multiple individuals with cardio-facio-cutaneous syndrome (Niihori, 2006; Rodriguez-Viciana, 2006; Sarkozy, 2009; Demir, 2010; Louati, 2014). This amino acid position is highly conserved in available vertebrate species. This alteration is predicted to be deleterious by in silico analysis. Based on the available evidence, this alteration is classified as pathogenic.

Eurofins Ntd Llc (ga)
Classification: Pathogenic. Last evaluated: 2015-12-29. Review status: criteria provided, single submitter. Criteria: EGL Classification Definitions 2015. Collection method: clinical testing. Allele origin: germline. Observed: 1 variant allele, 1 heterozygote.

Molecular Diagnostics Lab, Nemours Children's Health, Delaware
Classification: Likely pathogenic. Last evaluated: 2015-07-22. Review status: criteria provided, single submitter. Criteria: ACMG Guidelines, 2015. Collection method: clinical testing. Allele origin: unknown. Affected: yes. Observed: 2 variant alleles.

Laboratory for Molecular Medicine, Mass General Brigham Personalized Medicine
Classification: Pathogenic for Noonan syndrome; Cardio-facio-cutaneous syndrome. Last evaluated: 2014-05-23. Review status: no assertion criteria provided. Collection method: clinical testing. Allele origin: germline. Inheritance: Autosomal dominant inheritance. Observed: 4 variant alleles. Not counted in ClinVar's aggregate classification.
Comment: The Glu501Lys variant in BRAF has been previously identified in four patients wi th clinical features of the Noonan spectrum (Razzaque 2007, LMM unpublished data ) and reportedly occurred de novo in two patients with Cardio-facio-cutaneous sy ndrome (CFC; Niihori 2006, Rodriguez-Viciana 2006). In addition, this variant wa s absent from large population studies. In summary, this variant meets our crite ria to be classified as pathogenic.

OMIM
Classification: Pathogenic for CARDIOFACIOCUTANEOUS SYNDROME 1. Last evaluated: 2006-03-01. Review status: no assertion criteria provided. Collection method: literature only. Allele origin: germline. Not counted in ClinVar's aggregate classification.

Literature cited by the submitters: PubMed 17603482 (cited by 3 submitters); PubMed 16474404 (cited by 9 submitters); PubMed 26065894 (cited by Center for Genomic Medicine, Rigshospitalet, Copenhagen University Hospital); PubMed 16439621 (cited by 5 submitters); PubMed 19206169 (cited by 4 submitters); PubMed 20186801 (cited by Labcorp Genetics (formerly Invitae), Labcorp); PubMed 25463315 (cited by Labcorp Genetics (formerly Invitae), Labcorp); PubMed 20859831 (cited by Victorian Clinical Genetics Services, Murdoch Childrens Research Institute and Ambry Genetics); PubMed 21784453 (cited by Victorian Clinical Genetics Services, Murdoch Childrens Research Institute); PubMed 25337068 (cited by Victorian Clinical Genetics Services, Murdoch Childrens Research Institute and Ambry Genetics); PubMed 28783719 (cited by Victorian Clinical Genetics Services, Murdoch Childrens Research Institute); PubMed 29540830 (cited by Victorian Clinical Genetics Services, Murdoch Childrens Research Institute); PubMed 23093928 (cited by Laboratory for Molecular Medicine, Mass General Brigham Personalized Medicine); PubMed 3265306 (cited by OMIM).

NM_004333.6(BRAF):c.1501G>A (p.Glu501Lys)

Gene: BRAF (B-Raf proto-oncogene, serine/threonine kinase; minus strand). Cytogenetic location: 7q34.
Variant type: single nucleotide variant.
Coding change: c.1501G>A on transcript NM_004333.6 (MANE Select); coding-DNA position 1501, G replaced by A.
Protein change: p.Glu501Lys; replaces glutamic acid 501 with lysine.
Molecular consequence: missense variant.
Genome position (GRCh38, 1-based): chr7:140,778,007, C>T on the plus strand (G>A on the coding strand, the complement: BRAF is on the minus strand). VCF-style: chr7-140778007-C-T. GRCh37 (hg19) VCF-style: chr7-140477807-C-T.
Other names: c.1501G>A, p.Glu501Lys (NM_001354609.2, NM_001378468.1, NM_001378474.1); c.1621G>A, p.Glu541Lys (NM_001374244.1, NM_001374258.1); c.1510G>A, p.Glu504Lys (NM_001378467.1); c.1435G>A, p.Glu479Lys (NM_001378469.1); c.1399G>A, p.Glu467Lys (NM_001378470.1); c.1390G>A, p.Glu464Lys (NM_001378471.1); c.1345G>A, p.Glu449Lys (NM_001378472.1, NM_001378473.1); c.1237G>A, p.Glu413Lys (NM_001378475.1); short protein forms E501K, E504K, E541K, E467K, E413K, E449K, E464K, E479K.
Identifiers: ClinVar variation 13977 (VCV000013977.23), dbSNP rs180177038, ClinGen allele CA273130.
Genomic context (GRCh38, chr7:140,778,007, plus strand): 5'-AAATAACTTCTTTCTCTGGAAAAGAGTAATTCACACAAGCTCACCTGAGTACTCCTACTT[C>T]ATTTTTGAAGGCTTGTAACTGCTGAGGTGTAGGTGCTGTCACATTCAACATTTTCACTGC-3'
Protein context (NP_004324.2, residues 491-511): TPQQLQAFKN[Glu501Lys]VGVLRKTRHV